The following is an entry in ClinVar:

NM_000540.3(RYR1):c.4642T>C (p.Phe1548Leu)

Gene: RYR1 (ryanodine receptor 1; plus strand). Cytogenetic location: 19q13.2.
Variant type: single nucleotide variant.
Coding change: c.4642T>C on transcript NM_000540.3 (MANE Select); coding-DNA position 4642, T replaced by C.
Protein change: p.Phe1548Leu; replaces phenylalanine 1548 with leucine.
Molecular consequence: missense variant.
Genome position (GRCh38, 1-based): chr19:38,483,048, T>C. VCF-style: chr19-38483048-T-C. GRCh37 (hg19) VCF-style: chr19-38973688-T-C.
Other names: c.4642T>C, p.Phe1548Leu (NM_001042723.2); short protein forms F1548L.
Identifiers: ClinVar variation 3071867 (VCV003071867.1), dbSNP rs2514210634, ClinGen allele CA405649355.
Genomic context (GRCh38, chr19:38,483,048, plus strand): 5'-CCACCCGTTTGCTCACCTCGTCCTCTTCTCCTCTGCCAGGTGGAACCCAACACTAAGCTA[T>C]TTCCTGCCGTCTTCGTCCTGCCCACCCACCAGAACGTCATCCAGTTTGAGCTGGGGAAGC-3'
Protein context (NP_000531.2, residues 1538-1558): FFQVEPNTKL[Phe1548Leu]PAVFVLPTHQ

ClinVar aggregate classification (germline): Uncertain significance (1 of 4 stars; one submission).

Conditions:
Malignant hyperthermia, susceptibility to, 1 (MHS1). Also called: Anesthesia related hyperthermia; Malignant hyperpyrexia; Fulminating hyperpyrexia; Pharmacogenic myopathy; RYR1-Related Malignant Hyperthermia Susceptibility; Malignant hyperthermia suceptibility 1. Identifiers: Orphanet 423, MedGen C2930980, MONDO:0007783, OMIM 145600.

Allele frequency attached by ClinVar (database versions not stated): gnomAD exomes below 0.00001.
gnomAD v4.1: 3 of 1,614,126 alleles (0.00019%); highest among the groups gnomAD compares: Non-Finnish European, 0.00025%; no homozygotes.

Submission:

All of Us Research Program, National Institutes of Health
Classification: Uncertain significance for Malignant hyperthermia, susceptibility to, 1. Last evaluated: 2023-06-26. Review status: criteria provided, single submitter. Criteria: ACMG Guidelines, 2015. Collection method: clinical testing. Allele origin: germline. Inheritance: Autosomal dominant inheritance. Observed: 1 variant allele, 1 heterozygote.
Comment: This missense variant replaces phenylalanine with leucine at codon 1548 of the RYR1 protein. Computational prediction is inconclusive regarding the impact of this variant on protein structure and function (internally defined REVEL score threshold 0.5 < inconclusive < 0.7, PMID: 27666373). To our knowledge, functional studies have not been reported for this variant. This variant has not been reported in individuals affected with RYR1-related disorders in the literature. This variant has not been identified in the general population by the Genome Aggregation Database (gnomAD). The available evidence is insufficient to determine the role of this variant in disease conclusively. Therefore, this variant is classified as a Variant of Uncertain Significance.

This study involves interpretation of variants in research participants for the purpose of population health screening. Participant phenotype was not available at the time of variant classification. Additional details can be found in publication PMID: 35346344, PMCID: PMC8962531